The following is an entry in ClinVar:

ClinVar aggregate classification (germline): Uncertain significance (1 of 4 stars; one submission).

Conditions:
Hereditary cancer-predisposing syndrome. Also called: Neoplastic Syndromes, Hereditary; Tumor predisposition; Hereditary Cancer Syndrome; Hereditary neoplastic syndrome. Identifiers: Orphanet 140162, MedGen C0027672, MeSH D009386, MONDO:0015356.

Submission:

Color Diagnostics, LLC DBA Color Health
Classification: Uncertain significance for Hereditary cancer-predisposing syndrome. Last evaluated: 2024-03-08. Review status: criteria provided, single submitter. Criteria: ACMG Guidelines, 2015. Collection method: clinical testing. Allele origin: germline.
Comment: This missense variant replaces serine with threonine at codon 89 of the ATM protein. Computational prediction suggests that this variant may not impact protein structure and function. To our knowledge, functional studies have not been reported for this variant. This variant has not been reported in individuals affected with ATM-related disorders in the literature. This variant has not been identified in the general population by the Genome Aggregation Database (gnomAD). The available evidence is insufficient to determine the role of this variant in disease conclusively. Therefore, this variant is classified as a Variant of Uncertain Significance.

NM_000051.4(ATM):c.265T>A (p.Ser89Thr)

Gene: ATM (ATM serine/threonine kinase; plus strand). Cytogenetic location: 11q22.3.
Variant type: single nucleotide variant.
Coding change: c.265T>A on transcript NM_000051.4 (MANE Select); coding-DNA position 265, T replaced by A.
Protein change: p.Ser89Thr; replaces serine 89 with threonine.
Molecular consequence: missense variant.
Genome position (GRCh38, 1-based): chr11:108,229,257, T>A. VCF-style: chr11-108229257-T-A. GRCh37 (hg19) VCF-style: chr11-108099984-T-A.
Other names: c.265T>A, p.Ser89Thr (NM_001351834.2, NM_001351835.2, NM_001351836.2); short protein forms S89T.
Identifiers: ClinVar variation 3894450 (VCV003894450.1).